The following is an entry in ClinVar:

ClinVar aggregate classification (germline): Uncertain significance (1 of 4 stars; one submission).

Submission:

GeneDx
Classification: Uncertain significance. Last evaluated: 2026-04-20. Review status: criteria provided, single submitter. Criteria: GeneDx Variant Classification Process June 2021. Collection method: clinical testing. Allele origin: germline.
Comment: Not observed at significant frequency in large population cohorts (gnomAD); In silico analysis supports that this missense variant has a deleterious effect on protein structure/function; Has not been previously published as pathogenic or benign to our knowledge

NM_012199.5(AGO1):c.1982G>C (p.Arg661Pro)

Gene: AGO1 (argonaute RISC component 1; plus strand). Cytogenetic location: 1p34.3.
Variant type: single nucleotide variant.
Coding change: c.1982G>C on transcript NM_012199.5 (MANE Select); coding-DNA position 1982, G replaced by C.
Protein change: p.Arg661Pro; replaces arginine 661 with proline.
Molecular consequence: missense variant.
Genome position (GRCh38, 1-based): chr1:35,915,496, G>C. VCF-style: chr1-35915496-G-C. GRCh37 (hg19) VCF-style: chr1-36381097-G-C.
Other names: c.1982G>C, p.Arg661Pro (NM_001317122.2); c.1757G>C, p.Arg586Pro (NM_001317123.2); short protein forms R586P, R661P.
Identifiers: ClinVar variation 5036897 (VCV005036897.1).
Genomic context (GRCh38, chr1:35,915,496, plus strand): 5'-CCTACATGGTGCGTGAGCTCCTCATCCAATTCTACAAGTCCACCCGTTTCAAGCCTACCC[G>C]CATCATCTTCTACCGAGATGGGGTGCCTGAAGGCCAGCTACCCCAGGTAGGGCCCACAGT-3'
Protein context (NP_036331.1, residues 651-671): FYKSTRFKPT[Arg661Pro]IIFYRDGVPE